The following is an entry in ClinVar:

ClinVar aggregate classification (germline): Uncertain significance (1 of 4 stars; one submission).

Submission:

Ambry Genetics
Classification: Uncertain significance. Last evaluated: 2023-10-27. Review status: criteria provided, single submitter. Criteria: Ambry Variant Classification Scheme 2023. Collection method: clinical testing. Allele origin: germline.
Comment: The p.E523Q variant (also known as c.1567G>C), located in coding exon 10 of the POLQ gene, results from a G to C substitution at nucleotide position 1567. The glutamic acid at codon 523 is replaced by glutamine, an amino acid with highly similar properties. This amino acid position is conserved. In addition, this alteration is predicted to be tolerated by in silico analysis. Since supporting evidence is limited at this time, the clinical significance of this alteration remains unclear.

NM_199420.4(POLQ):c.1567G>C (p.Glu523Gln)

Gene: POLQ (DNA polymerase theta; minus strand). Cytogenetic location: 3q13.33.
Variant type: single nucleotide variant.
Coding change: c.1567G>C on transcript NM_199420.4 (MANE Select); coding-DNA position 1567, G replaced by C.
Protein change: p.Glu523Gln; replaces glutamic acid 523 with glutamine.
Molecular consequence: missense variant.
Genome position (GRCh38, 1-based): chr3:121,511,931, C>G on the plus strand (G>C on the coding strand, the complement: POLQ is on the minus strand). VCF-style: chr3-121511931-C-G. GRCh37 (hg19) VCF-style: chr3-121230778-C-G.
Other names: short protein forms E523Q.
Identifiers: ClinVar variation 3229841 (VCV003229841.1), dbSNP rs2546804253, ClinGen allele CA354116089.
Genomic context (GRCh38, chr3:121,511,931, plus strand): 5'-GTAAATTCTCTCTTACCTCCAGAATAGCTCGTATCATGCTGCCAGTTACTTCTTCTCCTT[C>G]TCGTCTTTGCAGACAGCTGCGAACAGGCTTTAGAGAACCCTGAAGGAGAGCTATGCCTTT-3'
Protein context (NP_955452.3, residues 513-533): KPVRSCLQRR[Glu523Gln]GEEVTGSMIR